The following is an entry in ClinVar:

NM_182541.2(TMEM31):c.311C>A (p.Ala104Asp)

Gene: TMEM31 (transmembrane protein 31; plus strand). Cytogenetic location: Xq22.2.
Variant type: single nucleotide variant.
Coding change: c.311C>A on transcript NM_182541.2 (MANE Select); coding-DNA position 311, C replaced by A.
Protein change: p.Ala104Asp; replaces alanine 104 with aspartic acid.
Molecular consequence: missense variant.
Genome position (GRCh38, 1-based): chrX:103,713,802, C>A. VCF-style: chrX-103713802-C-A. GRCh37 (hg19) VCF-style: chrX-102968730-C-A.
Other names: short protein forms A104D.
Identifiers: ClinVar variation 1206022 (VCV001206022.3), dbSNP rs374855110, ClinGen allele CA333995286.

ClinVar aggregate classification (germline): Uncertain significance. Review status: criteria provided, single submitter (1 of 4 stars). 3 submissions from 3 submitters: Uncertain significance (1). 2 of the submissions do not count toward it. Last evaluated 2025-09-24.

Submissions (3):

Ambry Genetics
Classification: Uncertain significance. Last evaluated: 2025-09-24. Review status: criteria provided, single submitter. Criteria: Ambry Variant Classification Scheme 2023. Collection method: clinical testing. Allele origin: germline.
Comment: The c.311C>A (p.A104D) alteration is located in exon 3 (coding exon 2) of the TMEM31 gene. This alteration results from a C to A substitution at nucleotide position 311, causing the alanine (A) at amino acid position 104 to be replaced by an aspartic acid (D). Based on data from gnomAD, the A allele has an overall frequency of <0.001% (1/183519) total alleles studied. The highest observed frequency was 0.001% (1/81955) of European (non-Finnish) alleles. Based on insufficient or conflicting evidence, the clinical significance of this alteration remains unclear.

Clinical Genetics DNA and cytogenetics Diagnostics Lab, Erasmus MC, Erasmus Medical Center
Classification: Likely benign. Review status: no assertion criteria provided. Collection method: clinical testing. Allele origin: germline. Affected: yes. Study: VKGL Data-share Consensus. Not counted in ClinVar's aggregate classification.

Laboratory of Diagnostic Genome Analysis, Leiden University Medical Center (LUMC)
Classification: Likely benign. Review status: no assertion criteria provided. Collection method: clinical testing. Allele origin: germline. Affected: yes. Study: VKGL Data-share Consensus. Not counted in ClinVar's aggregate classification.